The following is an entry in ClinVar:

ClinVar aggregate classification (germline): Uncertain significance. Review status: criteria provided, multiple submitters, no conflicts (2 of 4 stars). 2 submissions from 2 submitters: Uncertain significance (2). Last evaluated 2025-11-03.

Conditions:
Cardiovascular phenotype. Identifiers: MedGen CN230736.

Allele frequency attached by ClinVar (database versions not stated): TOPMed 0.00003; gnomAD 0.00005; ExAC 0.00005; gnomAD exomes 0.00005 and 0.00006.
gnomAD v4.1: 92 of 1,545,878 alleles (0.006%); highest among the groups gnomAD compares: Non-Finnish European, 0.0067%; no homozygotes.

Submissions (2):

GeneDx
Classification: Uncertain significance. Last evaluated: 2025-11-03. Review status: criteria provided, single submitter. Criteria: GeneDx Variant Classification Process June 2021. Collection method: clinical testing. Allele origin: germline. Affected: yes.
Comment: Has not been previously published as pathogenic or benign to our knowledge; In silico analysis supports that this missense variant has a deleterious effect on protein structure/function

Ambry Genetics
Classification: Uncertain significance for Cardiovascular phenotype. Last evaluated: 2024-07-11. Review status: criteria provided, single submitter. Criteria: Ambry Variant Classification Scheme 2023. Collection method: clinical testing. Allele origin: germline.
Comment: The p.G1047V variant (also known as c.3140G>T), located in coding exon 6 of the TNXB gene, results from a G to T substitution at nucleotide position 3140. The glycine at codon 1047 is replaced by valine, an amino acid with dissimilar properties. This amino acid position is well conserved in available vertebrate species. In addition, this alteration is predicted to be tolerated by in silico analysis. Based on the available evidence, the clinical significance of this variant remains unclear.

NM_001365276.2(TNXB):c.3140G>T (p.Gly1047Val)

Gene: TNXB (tenascin XB; minus strand). Cytogenetic location: 6p21.33.
Variant type: single nucleotide variant.
Coding change: c.3140G>T on transcript NM_001365276.2 (MANE Select); coding-DNA position 3140, G replaced by T.
Protein change: p.Gly1047Val; replaces glycine 1047 with valine.
Molecular consequence: missense variant.
Genome position (GRCh38, 1-based): chr6:32,085,758, C>A on the plus strand (G>T on the coding strand, the complement: TNXB is on the minus strand). VCF-style: chr6-32085758-C-A. GRCh37 (hg19) VCF-style: chr6-32053535-C-A.
Other names: c.3140G>T, p.Gly1047Val (NM_019105.8); short protein forms G1047V.
Identifiers: ClinVar variation 1203945 (VCV001203945.8), dbSNP rs753232337, ClinGen allele CA3735245.